The following is an entry in ClinVar:

ClinVar aggregate classification (germline): Likely pathogenic (1 of 4 stars; one submission).

Conditions:
Proximal myopathy with extrapyramidal signs. Also called: Myopathy with extrapyramidal signs. Identifiers: Orphanet 401768, MedGen C3810285, MONDO:0014300, OMIM 615673.

Submission:

Juno Genomics, Hangzhou Juno Genomics, Inc
Classification: Likely pathogenic for Proximal myopathy with extrapyramidal signs. Review status: criteria provided, single submitter. Criteria: ACMG Guidelines, 2015. Collection method: clinical testing. Allele origin: germline. Affected: yes.
Comment: Null variant in a gene where loss of function (LOF) is a known mechanism of disease.;Absent from controls (or at extremely low frequency if recessive) in Genome Aggregation Database, Exome Sequencing Project, 1000 Genomes Project, or Exome Aggregation Consortium.

NM_001195518.2(MICU1):c.156G>A (p.Trp52Ter)

Gene: MICU1 (mitochondrial calcium uptake 1; minus strand). Cytogenetic location: 10q22.1.
Variant type: single nucleotide variant.
Coding change: c.156G>A on transcript NM_001195518.2 (MANE Select); coding-DNA position 156, G replaced by A.
Protein change: p.Trp52Ter; replaces tryptophan 52 with a stop codon.
Molecular consequence: nonsense.
Genome position (GRCh38, 1-based): chr10:72,566,638, C>T on the plus strand (G>A on the coding strand, the complement: MICU1 is on the minus strand). VCF-style: chr10-72566638-C-T. GRCh37 (hg19) VCF-style: chr10-74326396-C-T.
Other names: c.156G>A, p.Trp52Ter (NM_001363513.2, NM_006077.4); short protein forms W52*.
Identifiers: ClinVar variation 3382200 (VCV003382200.2).